The following is an entry in ClinVar:

ClinVar aggregate classification (germline): Uncertain significance (1 of 4 stars; one submission).

Conditions:
Joubert syndrome. Also called: Familial aplasia of the vermis; CEREBELLOPARENCHYMAL DISORDER IV; JOUBERT-BOLTSHAUSER SYNDROME. Identifiers: Orphanet 475, MedGen C5979921, MONDO:0018772.

Submission:

Labcorp Genetics (formerly Invitae), Labcorp
Classification: Uncertain significance for Joubert syndrome. Last evaluated: 2022-02-23. Review status: criteria provided, single submitter. Criteria: Invitae Variant Classification Sherloc (09022015). Collection method: clinical testing. Allele origin: germline.
Comment: ClinVar contains an entry for this variant (Variation ID: 1000293). In summary, the available evidence is currently insufficient to determine the role of this variant in disease. Therefore, it has been classified as a Variant of Uncertain Significance. Algorithms developed to predict the effect of missense changes on protein structure and function output the following: SIFT: "Deleterious"; PolyPhen-2: "Probably Damaging"; Align-GVGD: "Class C0". The cysteine amino acid residue is found in multiple mammalian species, which suggests that this missense change does not adversely affect protein function. This variant has not been reported in the literature in individuals affected with AHI1-related conditions. This variant is not present in population databases (gnomAD no frequency). This sequence change replaces tyrosine, which is neutral and polar, with cysteine, which is neutral and slightly polar, at codon 399 of the AHI1 protein (p.Tyr399Cys).

NM_001134831.2(AHI1):c.1196A>G (p.Tyr399Cys)

Gene: AHI1 (Abelson helper integration site 1; minus strand). Cytogenetic location: 6q23.3.
Variant type: single nucleotide variant.
Coding change: c.1196A>G on transcript NM_001134831.2 (MANE Select); coding-DNA position 1196, A replaced by G.
Protein change: p.Tyr399Cys; replaces tyrosine 399 with cysteine.
Molecular consequence: missense variant.
Genome position (GRCh38, 1-based): chr6:135,455,882, T>C on the plus strand (A>G on the coding strand, the complement: AHI1 is on the minus strand). VCF-style: chr6-135455882-T-C. GRCh37 (hg19) VCF-style: chr6-135777020-T-C.
Other names: c.1196A>G, p.Tyr399Cys (NM_001134830.2, NM_001134832.2, NM_001350503.2 and 2 more transcripts); short protein forms Y399C.
Identifiers: ClinVar variation 1000293 (VCV001000293.12), dbSNP rs1788860785, ClinGen allele CA365746684.